The following is an entry in ClinVar:

ClinVar aggregate classification (germline): Uncertain significance. Review status: criteria provided, multiple submitters, no conflicts (2 of 4 stars). 2 submissions from 2 submitters: Uncertain significance (2). Last evaluated 2025-01-23.

Allele frequency attached by ClinVar (database versions not stated): gnomAD exomes below 0.00001.
gnomAD v4.1: 5 of 1,210,745 alleles (0.00041%); highest among the groups gnomAD compares: Non-Finnish European, 0.00056%; no homozygotes.

Submissions (2):

Labcorp Genetics (formerly Invitae), Labcorp
Classification: Uncertain significance. Last evaluated: 2025-01-23. Review status: criteria provided, single submitter. Criteria: Invitae Variant Classification Sherloc (09022015). Collection method: clinical testing. Allele origin: germline.
Comment: This sequence change replaces serine, which is neutral and polar, with cysteine, which is neutral and slightly polar, at codon 82 of the DDX3X protein (p.Ser82Cys). This variant is not present in population databases (gnomAD no frequency). This variant has not been reported in the literature in individuals affected with DDX3X-related conditions. ClinVar contains an entry for this variant (Variation ID: 1998426). Experimental studies and prediction algorithms are not available or were not evaluated, and the functional significance of this variant is currently unknown. In summary, the available evidence is currently insufficient to determine the role of this variant in disease. Therefore, it has been classified as a Variant of Uncertain Significance.

CeGaT Center for Human Genetics Tuebingen
Classification: Uncertain significance. Last evaluated: 2023-10-01. Review status: criteria provided, single submitter. Criteria: CeGaT Center For Human Genetics Tuebingen Variant Classification Criteria Version 2. Collection method: clinical testing. Allele origin: germline. Affected: yes. Observed: 1 variant allele.
Comment: DDX3X: PM2, PP2

NM_001356.5(DDX3X):c.245C>G (p.Ser82Cys)

Gene: DDX3X (DEAD-box helicase 3 X-linked; plus strand). Cytogenetic location: Xp11.4.
Variant type: single nucleotide variant.
Coding change: c.245C>G on transcript NM_001356.5 (MANE Select); coding-DNA position 245, C replaced by G.
Protein change: p.Ser82Cys; replaces serine 82 with cysteine.
Molecular consequence: missense variant. On other transcripts: 5 prime UTR variant (1), non-coding transcript variant (1).
Genome position (GRCh38, 1-based): chrX:41,341,577, C>G. VCF-style: chrX-41341577-C-G. GRCh37 (hg19) VCF-style: chrX-41200830-C-G.
Other names: c.245C>G, p.Ser82Cys (NM_001193416.3); c.197C>G, p.Ser66Cys (NM_001193417.3); c.-314C>G (NM_001363819.1); short protein forms S66C, S82C.
Identifiers: ClinVar variation 1998426 (VCV001998426.28), dbSNP rs2519505549, ClinGen allele CA412765087.